The following is an entry in ClinVar:

ClinVar aggregate classification (germline): Uncertain significance (1 of 4 stars; one submission).

gnomAD v4.1: 1 of 1,614,218 alleles (0.000062%); highest among the groups gnomAD compares: Non-Finnish European, 0.000085%; no homozygotes.

Submission:

Labcorp Genetics (formerly Invitae), Labcorp
Classification: Uncertain significance. Last evaluated: 2022-06-24. Review status: criteria provided, single submitter. Criteria: Invitae Variant Classification Sherloc (09022015). Collection method: clinical testing. Allele origin: germline.
Comment: In summary, the available evidence is currently insufficient to determine the role of this variant in disease. Therefore, it has been classified as a Variant of Uncertain Significance. Algorithms developed to predict the effect of missense changes on protein structure and function are either unavailable or do not agree on the potential impact of this missense change (SIFT: "Not Available"; PolyPhen-2: "Probably Damaging"; Align-GVGD: "Not Available"). This variant has not been reported in the literature in individuals affected with ADSSL1-related conditions. This variant is not present in population databases (gnomAD no frequency). This sequence change replaces aspartic acid, which is acidic and polar, with asparagine, which is neutral and polar, at codon 411 of the ADSSL1 protein (p.Asp411Asn).

NM_152328.5(ADSS1):c.1102G>A (p.Asp368Asn)

Gene: ADSS1 (adenylosuccinate synthase 1; plus strand). Cytogenetic location: 14q32.33.
Variant type: single nucleotide variant.
Coding change: c.1102G>A on transcript NM_152328.5 (MANE Select); coding-DNA position 1102, G replaced by A.
Protein change: p.Asp368Asn; replaces aspartic acid 368 with asparagine.
Molecular consequence: missense variant.
Genome position (GRCh38, 1-based): chr14:104,744,840, G>A. VCF-style: chr14-104744840-G-A. GRCh37 (hg19) VCF-style: chr14-105211177-G-A.
Other names: c.487G>A, p.Asp163Asn (NM_001320424.1); c.1231G>A, p.Asp411Asn (NM_199165.2); short protein forms D163N, D368N, D411N.
Identifiers: ClinVar variation 1978803 (VCV001978803.4), dbSNP rs766014695, ClinGen allele CA267337611.